The following is an entry in ClinVar:

ClinVar aggregate classification (germline): Likely benign. Review status: criteria provided, multiple submitters, no conflicts (2 of 4 stars). 3 submissions from 3 submitters: Likely benign (3). Last evaluated 2025-12-02.

Conditions:
SLC5A7-related disorder. Also called: SLC5A7-related condition.
Neuronopathy, distal hereditary motor, type 7A. Also called: Neuronopathy, distal hereditary motor, type viia; HARPER-YOUNG MYOPATHY; HMN VIIA; SPINAL MUSCULAR ATROPHY, DISTAL, WITH VOCAL CORD PARALYSIS; NEURONOPATHY, DISTAL HEREDITARY MOTOR, HARDING TYPE VIIA; NEUROPATHY, DISTAL HEREDITARY MOTOR, HARDING TYPE VIIA. Identifiers: Orphanet 139589, MedGen C1834703, MONDO:0008024, OMIM 158580.
Congenital myasthenic syndrome 20. Also called: Myasthenic syndrome, congenital, 20, presynaptic. Identifiers: MedGen C4310694, MONDO:0014939, OMIM 617143.

Allele frequency attached by ClinVar (database versions not stated): gnomAD exomes 0.00002 and 0.00010; TOPMed 0.00005; ExAC 0.00007; ESP Exome Variant Server 0.00008; gnomAD 0.00009 and 0.00011; 1000 Genomes Project 30x 0.00094; 1000 Genomes Project 0.00120.
gnomAD v4.1: 51 of 1,613,938 alleles (0.0032%); highest among the groups gnomAD compares: East Asian, 0.056%; no homozygotes.

Submissions (3):

Labcorp Genetics (formerly Invitae), Labcorp
Classification: Likely benign for Neuronopathy, distal hereditary motor, type 7A; Congenital myasthenic syndrome 20. Last evaluated: 2025-12-02. Review status: criteria provided, single submitter. Criteria: Invitae Variant Classification Sherloc (09022015). Collection method: clinical testing. Allele origin: germline.

PreventionGenetics, part of Exact Sciences
Classification: Likely benign for SLC5A7-related condition. Last evaluated: 2025-11-03. Review status: criteria provided, single submitter. Criteria: ACMG Guidelines, 2015. Collection method: clinical testing. Allele origin: germline.
Comment: This variant is classified as likely benign based on ACMG/AMP sequence variant interpretation guidelines (Richards et al. 2015 PMID: 25741868, with internal and published modifications).

Blueprint Genetics
Classification: Likely benign. Last evaluated: 2019-03-11. Review status: criteria provided, single submitter. Criteria: ACMG Guidelines, 2015. Collection method: clinical testing. Allele origin: germline.

NM_021815.5(SLC5A7):c.1197G>A (p.Thr399=)

Gene: SLC5A7 (solute carrier family 5 member 7; plus strand). Cytogenetic location: 2q12.3.
Variant type: single nucleotide variant.
Coding change: c.1197G>A on transcript NM_021815.5 (MANE Select); coding-DNA position 1197, G replaced by A.
Protein change: p.Thr399=; no amino-acid change (threonine 399 retained).
Molecular consequence: synonymous variant.
Genome position (GRCh38, 1-based): chr2:108,010,315, G>A. VCF-style: chr2-108010315-G-A. GRCh37 (hg19) VCF-style: chr2-108626771-G-A.
Other names: c.1197G>A, p.Thr399= (NM_001305005.3); c.882G>A, p.Thr294= (NM_001305006.3); c.456G>A, p.Thr152= (NM_001305007.3); c.1197G>A (NM_021815.4).
Identifiers: ClinVar variation 721897 (VCV000721897.11), dbSNP rs141187628, ClinGen allele CA1819147.
Genomic context (GRCh38, chr2:108,010,315, plus strand): 5'-GGTTATGCGAATCACAGTGTTTGTGTTTGGAGCATCTGCAACAGCCATGGCCTTGCTGAC[G>A]AAAACTGTGTATGGGCTCTGGTACCTCAGTTCTGACCTTGTTTACATCGTTATCTTCCCC-3'
Protein context (NP_068587.1, residues 389-409): GASATAMALL[Thr399=]KTVYGLWYLS